The following is an entry in ClinVar:

ClinVar aggregate classification (germline): Uncertain significance (1 of 4 stars; one submission).

Allele frequency attached by ClinVar (database versions not stated): gnomAD 0.00001; gnomAD exomes 0.00001.

Submission:

Labcorp Genetics (formerly Invitae), Labcorp
Classification: Uncertain significance. Last evaluated: 2021-02-24. Review status: criteria provided, single submitter. Criteria: Invitae Variant Classification Sherloc (09022015). Collection method: clinical testing. Allele origin: germline.
Comment: In summary, the available evidence is currently insufficient to determine the role of this variant in disease. Therefore, it has been classified as a Variant of Uncertain Significance. Algorithms developed to predict the effect of missense changes on protein structure and function are either unavailable or do not agree on the potential impact of this missense change (SIFT: "Deleterious"; PolyPhen-2: "Probably Damaging"; Align-GVGD: "Class C0"). This variant has not been reported in the literature in individuals with ADIPOR1-related conditions. This variant is not present in population databases (ExAC no frequency). This sequence change replaces leucine with phenylalanine at codon 224 of the ADIPOR1 protein (p.Leu224Phe). The leucine residue is highly conserved and there is a small physicochemical difference between leucine and phenylalanine.

NM_015999.6(ADIPOR1):c.670C>T (p.Leu224Phe)

Gene: ADIPOR1 (adiponectin receptor 1; minus strand). Cytogenetic location: 1q32.1.
Variant type: single nucleotide variant.
Coding change: c.670C>T on transcript NM_015999.6 (MANE Select); coding-DNA position 670, C replaced by T.
Protein change: p.Leu224Phe; replaces leucine 224 with phenylalanine.
Molecular consequence: missense variant.
Genome position (GRCh38, 1-based): chr1:202,943,893, G>A on the plus strand (C>T on the coding strand, the complement: ADIPOR1 is on the minus strand). VCF-style: chr1-202943893-G-A. GRCh37 (hg19) VCF-style: chr1-202913021-G-A.
Other names: c.670C>T, p.Leu224Phe (NM_001290553.2, NM_001290557.1, NM_001290629.1); short protein forms L224F.
Identifiers: ClinVar variation 1460490 (VCV001460490.8), dbSNP rs200326086, ClinGen allele CA35605771.